The following is an entry in ClinVar:

ClinVar aggregate classification (germline): Uncertain significance. Review status: criteria provided, multiple submitters, no conflicts (2 of 4 stars). 2 submissions from 2 submitters: Uncertain significance (2). Last evaluated 2025-07-02.

Conditions:
Inborn genetic diseases. Identifiers: MedGen C0950123, MeSH D030342.

Allele frequency attached by ClinVar (database versions not stated): gnomAD 0.00001; TOPMed 0.00001; ExAC 0.00003.
gnomAD v4.1: 5 of 1,614,090 alleles (0.00031%); highest among the groups gnomAD compares: Non-Finnish European, 0.00042%; no homozygotes.

Submissions (2):

Ambry Genetics
Classification: Uncertain significance for Inborn genetic diseases. Last evaluated: 2025-07-02. Review status: criteria provided, single submitter. Criteria: Ambry Variant Classification Scheme 2023. Collection method: clinical testing. Allele origin: germline.

Labcorp Genetics (formerly Invitae), Labcorp
Classification: Uncertain significance. Last evaluated: 2023-11-14. Review status: criteria provided, single submitter. Criteria: Invitae Variant Classification Sherloc (09022015). Collection method: clinical testing. Allele origin: germline.
Comment: This sequence change replaces serine, which is neutral and polar, with asparagine, which is neutral and polar, at codon 1199 of the COL4A1 protein (p.Ser1199Asn). This variant is present in population databases (rs746802701, gnomAD 0.004%). This variant has not been reported in the literature in individuals affected with COL4A1-related conditions. An algorithm developed to predict the effect of missense changes on protein structure and function (PolyPhen-2) suggests that this variant is likely to be disruptive. In summary, the available evidence is currently insufficient to determine the role of this variant in disease. Therefore, it has been classified as a Variant of Uncertain Significance.

NM_001845.6(COL4A1):c.3596G>A (p.Ser1199Asn)

Gene: COL4A1 (collagen type IV alpha 1 chain; minus strand). Cytogenetic location: 13q34.
Variant type: single nucleotide variant.
Coding change: c.3596G>A on transcript NM_001845.6 (MANE Select); coding-DNA position 3596, G replaced by A.
Protein change: p.Ser1199Asn; replaces serine 1199 with asparagine.
Molecular consequence: missense variant.
Genome position (GRCh38, 1-based): chr13:110,170,693, C>T on the plus strand (G>A on the coding strand, the complement: COL4A1 is on the minus strand). VCF-style: chr13-110170693-C-T. GRCh37 (hg19) VCF-style: chr13-110823040-C-T.
Other names: c.3596G>A (NM_001845.4); short protein forms S1199N.
Identifiers: ClinVar variation 3018863 (VCV003018863.4), dbSNP rs746802701, ClinGen allele CA7047197.